The following is an entry in ClinVar:

ClinVar aggregate classification (germline): Pathogenic/Likely pathogenic. Review status: criteria provided, multiple submitters, no conflicts (2 of 4 stars). 4 submissions from 4 submitters: Pathogenic (2); Likely pathogenic (2). Last evaluated 2026-01-07.

Conditions:
Dilated cardiomyopathy 1G (CMD1G). Identifiers: Orphanet 154, MedGen C1858763, MONDO:0011400, OMIM 604145.
Autosomal recessive limb-girdle muscular dystrophy type 2J (LGMDR10). Also called: Limb-girdle muscular dystrophy, type 2J; MUSCULAR DYSTROPHY, LIMB-GIRDLE, AUTOSOMAL RECESSIVE 10. Identifiers: Orphanet 140922, MedGen C1837342, MONDO:0012127, OMIM 608807.
Cardiovascular phenotype. Identifiers: MedGen CN230736.
Primary dilated cardiomyopathy (DCM). Also called: Dilated Cardiomyopathy. Identifiers: Orphanet 217604, MedGen C0007193, MeSH D002311, MONDO:0005021, HP:0001644. Inheritance: Various modes of inheritance.

Allele frequency attached by ClinVar (database versions not stated): gnomAD exomes below 0.00001; gnomAD 0.00001; TOPMed 0.00001.
gnomAD v4.1: 3 of 1,609,232 alleles (0.00019%); highest among the groups gnomAD compares: Non-Finnish European, 0.00025%; no homozygotes.

Submissions (4):

GeneDx
Classification: Likely pathogenic. Last evaluated: 2026-01-07. Review status: criteria provided, single submitter. Criteria: GeneDx Variant Classification Process June 2021. Collection method: clinical testing. Allele origin: germline. Affected: yes.
Comment: Has been observed in at least one individual from a cohort of patients with nonischemic dilated cardiomyopathy (PMID: 32998006); Not observed at significant frequency in large population cohorts (gnomAD); Located in a specific region of the I-band within TTN for which truncating variants are significantly associated with autosomal dominant cardiomyopathy and also with autosomal recessive skeletal myopathies (PMID: 27625338, 27869827, 32778822); This variant is associated with the following publications: (PMID: 32998006, 27625338, 27869827, 32778822)

Labcorp Genetics (formerly Invitae), Labcorp
Classification: Pathogenic for Dilated cardiomyopathy 1G; Autosomal recessive limb-girdle muscular dystrophy type 2J. Last evaluated: 2025-09-10. Review status: criteria provided, single submitter. Criteria: Invitae Variant Classification Sherloc (09022015). Collection method: clinical testing. Allele origin: germline.
Comment: This sequence change creates a premature translational stop signal (p.Gln14534*) in the TTN gene. While this is not anticipated to result in nonsense mediated decay, it is expected to create a truncated TTN protein. This variant is present in population databases (rs727504499, gnomAD 0.007%). This premature translational stop signal has been observed in individuals with dilated cardiomyopathy (internal data). ClinVar contains an entry for this variant (Variation ID: 178865). This variant is located in the I band of TTN (PMID: 25589632). Truncating variants in this region have been reported in individuals affected with autosomal recessive centronuclear myopathy (PMID: 23975875, internal data). Truncating variants in this region have also been identified in individuals affected with autosomal dominant dilated cardiomyopathy and/or cardio-related conditions (PMID: 27869827, 32964742, internal data). For these reasons, this variant has been classified as Pathogenic.

Ambry Genetics
Classification: Pathogenic for Cardiovascular phenotype. Last evaluated: 2024-12-13. Review status: criteria provided, single submitter. Criteria: Ambry Variant Classification Scheme 2023. Collection method: clinical testing. Allele origin: germline.
Comment: The p.Q5469* pathogenic mutation (also known as c.16405C>T), located in coding exon 63 of the TTN gene, results from a C to T substitution at nucleotide position 16405. This changes the amino acid from a glutamine to a stop codon within coding exon 63. This exon is located in the I-band region of the N2-B isoform of the titin protein and is constitutively expressed in TTN transcripts (percent spliced in or PSI 100%). This variant (referred to as p.Gln14534Ter, c.43600C>T) was reported in individual(s) with features consistent with dilated cardiomyopathy (DCM) (Anderson JL et al. Am J Cardiol. 2020 12;137:97-102; Ambry internal data). This variant is considered to be rare based on population cohorts in the Genome Aggregation Database (gnomAD). In addition to the clinical data presented in the literature, this alteration is expected to result in loss of function by premature protein truncation or nonsense-mediated mRNA decay. While truncating variants in TTN are present in 1-3% of the general population, truncating variants in the A-band are the most common cause of DCM (Herman DS et al. N. Engl. J. Med., 2012 Feb;366:619-28; Roberts AM et al. Sci Transl Med, 2015 Jan;7:270ra6). TTN truncating variants encoded in constitutive exons (PSI >90%) have been found to be significantly associated with DCM regardless of their position in titin (Schafer S et al. Nat. Genet., 2017 01;49:46-53). Based on the supporting evidence, this variant is interpreted as a disease-causing mutation.

Laboratory for Molecular Medicine, Mass General Brigham Personalized Medicine
Classification: Likely pathogenic for Primary dilated cardiomyopathy. Last evaluated: 2015-07-30. Review status: criteria provided, single submitter. Criteria: LMM Criteria. Collection method: clinical testing. Allele origin: germline. Inheritance: Autosomal dominant inheritance. Observed: 1 variant allele.
Comment: proposed classification - variant undergoing re-assessment, contact laboratory

Literature cited by the submitters: PubMed 25589632 (cited by Labcorp Genetics (formerly Invitae), Labcorp); PubMed 23975875 (cited by Labcorp Genetics (formerly Invitae), Labcorp); PubMed 27869827 (cited by Labcorp Genetics (formerly Invitae), Labcorp); PubMed 32964742 (cited by Labcorp Genetics (formerly Invitae), Labcorp); PubMed 32998006 (cited by Ambry Genetics).

NM_001267550.2(TTN):c.43600C>T (p.Gln14534Ter)

Gene: TTN (titin; minus strand). Cytogenetic location: 2q31.2.
Variant type: single nucleotide variant.
Coding change: c.43600C>T on transcript NM_001267550.2 (MANE Select); coding-DNA position 43600, C replaced by T.
Protein change: p.Gln14534Ter; replaces glutamine 14534 with a stop codon.
Molecular consequence: nonsense.
Genome position (GRCh38, 1-based): chr2:178,632,294, G>A on the plus strand (C>T on the coding strand, the complement: TTN is on the minus strand). VCF-style: chr2-178632294-G-A. GRCh37 (hg19) VCF-style: chr2-179497021-G-A.
Other names: p.Q12893*:CAG>TAG; c.16405C>T, p.Gln5469Ter (NM_003319.4); c.16780C>T, p.Gln5594Ter (NM_133432.3); c.16981C>T, p.Gln5661Ter (NM_133437.4); c.43600C>T (NM_001267550.1); c.38677C>T, p.Gln12893Ter (NM_001256850.1); c.35896C>T, p.Gln11966Ter (NM_133378.4); short protein forms Q11966*, Q14534*, Q12893*, Q5594*, Q5661*, Q5469*.
Identifiers: ClinVar variation 178865 (VCV000178865.18), dbSNP rs727504499, ClinGen allele CA273562.
Genomic context (GRCh38, chr2:178,632,294, plus strand): 5'-TGATCGAATGAGTTTTCCCTTCGTCTTGCATTGAGACCGACCTGGTGGTGTGTAGGCGCT[G>A]GTCATTCTTGAACCATTTAACTCGGATGTTATCATGAGATAACTCCACAGTAAATACAGC-3'